The following is an entry in ClinVar:

ClinVar aggregate classification (germline): Pathogenic (1 of 4 stars; one submission).

Conditions:
Fanconi anemia (FA). Also called: Fanconi's anemia. Identifiers: Orphanet 84, MedGen C0015625, MeSH D005199, MONDO:0019391.

Submission:

Labcorp Genetics (formerly Invitae), Labcorp
Classification: Pathogenic for Fanconi anemia. Last evaluated: 2018-11-02. Review status: criteria provided, single submitter. Criteria: Invitae Variant Classification Sherloc (09022015). Collection method: clinical testing. Allele origin: germline.
Comment: This sequence change results in a frameshift beginning at c.1631 (p.Glu544) of the FANCC mRNA (protein). While this is not anticipated to result in nonsense mediated decay, it is expected to disrupt the last 15 amino acids of the FANCC protein. This variant is not present in population databases (ExAC no frequency). This variant has not been reported in the literature in individuals with FANCC-related disease. For these reasons, this variant has been classified as Pathogenic. This variant disrupts the C-terminus of the FANCC protein. Other variant(s) that disrupt this region (p.Arg548*) have been determined to be pathogenic (PMID: 8103176, 24584348). This suggests that variants that disrupt this region of the protein are likely to be causative of disease. Experimental studies and prediction algorithms are not available for this variant, and the functional significance of the affected amino acid(s) is currently unknown.

Literature cited by the submitters: PubMed 8103176; PubMed 24584348.

NM_000136.3(FANCC):c.1630_1631insGCCGGGCGCGGTGGCTCACGCCTGTAATCCCAGCACTTTGGGAGGCCGAGGCGGGCGGATCACGAGGTCAGGAGATCGAGACCATCCCGGCTANNNNNNNNNNAAAAAAAAAAGAAAGCCCTAGATCAG (p.Ser543_Glu544insGlyArgAlaArgTrpLeuThrProValIleProAlaLeuTrpGluAlaGluAlaGlyGlySerArgGlyGlnGluIleGluThrIleProAlaXaaXaaXaaXaaLysLysLysGluSerProArgSer)

Genes: AOPEP (aminopeptidase O (putative); plus strand), FANCC (FA complementation group C; minus strand). Cytogenetic location: 9q22.32.
Variant type: Insertion.
Coding change: c.1630_1631insGCCGGGCGCGGTGGCTCACGCCTGTAATCCCAGCACTTTGGGAGGCCGAGGCGGGCGGATCACGAGGTCAGGAGATCGAGACCATCCCGGCTANNNNNNNNNNAAAAAAAAAAGAAAGCCCTAGATCAG on transcript NM_000136.3 (MANE Select); coding-DNA positions 1630 to 1631, GCCGGGCGCGGTGGCTCACGCCTGTAATCCCAGCACTTTGGGAGGCCGAGGCGGGCGGATCACGAGGTCAGGAGATCGAGACCATCCCGGCTANNNNNNNNNNAAAAAAAAAAGAAAGCCCTAGATCAG inserted.
Protein change: p.Ser543_Glu544insGlyArgAlaArgTrpLeuThrProValIleProAlaLeuTrpGluAlaGluAlaGlyGlySerArgGlyGlnGluIleGluThrIleProAlaXaaXaaXaaXaaLysLysLysGluSerProArgSer.
Molecular consequence: inframe insertion.
Genome position: GRCh38: chr9:95,101,769-95,101,770. GRCh37 (hg19): chr9:97,864,051-97,864,052.
Other names: c.1630_1631insGCCGGGCGCGGTGGCTCACGCCTGTAATCCCAGCACTTTGGGAGGCCGAGGCGGGCGGATCACGAGGTCAGGAGATCGAGACCATCCCGGCTANNNNNNNNNNAAAAAAAAAAGAAAGCCCTAGATCAG, p.Ser543_Glu544insGlyArgAlaArgTrpLeuThrProValIleProAlaLeuTrpGluAlaGluAlaGlyGlySerArgGlyGlnGluIleGluThrIleProAlaXaaXaaXaaXaaLysLysLysGluSerProArgSer (NM_001243743.2).
Identifiers: ClinVar variation 1075774 (VCV001075774.7), dbSNP rs2134382573.